The following is an entry in ClinVar:

NM_000368.5(TSC1):c.2513G>C (p.Ser838Thr)

Gene: TSC1 (TSC complex subunit 1; minus strand). Cytogenetic location: 9q34.13.
Variant type: single nucleotide variant.
Coding change: c.2513G>C on transcript NM_000368.5 (MANE Select); coding-DNA position 2513, G replaced by C.
Protein change: p.Ser838Thr; replaces serine 838 with threonine.
Molecular consequence: missense variant.
Genome position (GRCh38, 1-based): chr9:132,900,827, C>G on the plus strand (G>C on the coding strand, the complement: TSC1 is on the minus strand). VCF-style: chr9-132900827-C-G. GRCh37 (hg19) VCF-style: chr9-135776214-C-G.
Other names: c.2510G>C, p.Ser837Thr (NM_001162426.2); c.2360G>C, p.Ser787Thr (NM_001162427.2); c.2150G>C, p.Ser717Thr (NM_001362177.2); short protein forms S717T, S837T, S838T, S787T.
Identifiers: ClinVar variation 954893 (VCV000954893.12), dbSNP rs1060503208, ClinGen allele CA375370327.
Genomic context (GRCh38, chr9:132,900,827, plus strand): 5'-ACCTCCCCAAGAACCAACAGCTGCCTGTTCAAGAACTCCATCTGCTGCTGGACCGACTCA[C>G]TGTTTGAGAGCTAACCAAAAAACATGAGCAAAGTGAAAAATCCGACGACATAAAACTAGC-3'
Protein context (NP_000359.1, residues 828-848): LSQVSQKLSN[Ser838Thr]ESVQQQMEFL

ClinVar aggregate classification (germline): Uncertain significance. Review status: criteria provided, multiple submitters, no conflicts (2 of 4 stars). 2 submissions from 2 submitters: Uncertain significance (2). Last evaluated 2022-08-22.

Conditions:
Hereditary cancer-predisposing syndrome. Also called: Hereditary neoplastic syndrome; Tumor predisposition; Neoplastic Syndromes, Hereditary; Hereditary Cancer Syndrome. Identifiers: Orphanet 140162, MedGen C0027672, MeSH D009386, MONDO:0015356.
Tuberous sclerosis 1 (TSC1). Identifiers: Orphanet 805, MedGen C1854465, MONDO:0008612, OMIM 191100.

Submissions (2):

Ambry Genetics
Classification: Uncertain significance for Hereditary cancer-predisposing syndrome. Last evaluated: 2022-08-22. Review status: criteria provided, single submitter. Criteria: Ambry Variant Classification Scheme 2023. Collection method: clinical testing. Allele origin: germline.
Comment: The p.S838T variant (also known as c.2513G>C), located in coding exon 18 of the TSC1 gene, results from a G to C substitution at nucleotide position 2513. The serine at codon 838 is replaced by threonine, an amino acid with similar properties. This amino acid position is conserved. In addition, the in silico prediction for this alteration is inconclusive. Since supporting evidence is limited at this time, the clinical significance of this alteration remains unclear.

Labcorp Genetics (formerly Invitae), Labcorp
Classification: Uncertain significance for Tuberous sclerosis 1. Last evaluated: 2019-10-04. Review status: criteria provided, single submitter. Criteria: Invitae Variant Classification Sherloc (09022015). Collection method: clinical testing. Allele origin: germline.
Comment: This sequence change replaces serine with threonine at codon 838 of the TSC1 protein (p.Ser838Thr). The serine residue is highly conserved and there is a small physicochemical difference between serine and threonine. This variant is not present in population databases (ExAC no frequency). This variant has not been reported in the literature in individuals with TSC1-related conditions. Algorithms developed to predict the effect of missense changes on protein structure and function are either unavailable or do not agree on the potential impact of this missense change (SIFT: "Tolerated"; PolyPhen-2: "Possibly Damaging"; Align-GVGD: "Class C0"). In summary, the available evidence is currently insufficient to determine the role of this variant in disease. Therefore, it has been classified as a Variant of Uncertain Significance.